The following is an entry in ClinVar:

NM_002529.4(NTRK1):c.213-3C>A

Gene: NTRK1 (neurotrophic receptor tyrosine kinase 1; plus strand). Cytogenetic location: 1q23.1.
Variant type: single nucleotide variant.
Coding change: c.213-3C>A on transcript NM_002529.4 (MANE Select); 3 bases into the intron before coding-DNA position 213, C replaced by A.
Molecular consequence: intron variant.
Genome position (GRCh38, 1-based): chr1:156,864,351, C>A. VCF-style: chr1-156864351-C-A. GRCh37 (hg19) VCF-style: chr1-156834143-C-A.
Other names: c.213-3C>A (NM_001012331.2); c.123-3C>A (NM_001007792.1).
Identifiers: ClinVar variation 1191075 (VCV001191075.2), dbSNP rs2102885144, ClinGen allele CA2499214229.

ClinVar aggregate classification (germline): Likely pathogenic (1 of 4 stars; one submission).

Submission:

GeneDx
Classification: Likely pathogenic. Last evaluated: 2020-01-29. Review status: criteria provided, single submitter. Criteria: GeneDx Variant Classification Process June 2021. Collection method: clinical testing. Allele origin: germline. Affected: yes.
Comment: Not observed in large population cohorts (Lek et al., 2016); In silico analysis, which includes splice predictors and evolutionary conservation, supports a deleterious effect; Has not been previously published as pathogenic or benign to our knowledge